The following is an entry in ClinVar:

NM_015354.3(NUP188):c.5094C>G (p.Leu1698=)

Gene: NUP188 (nucleoporin 188; plus strand). Cytogenetic location: 9q34.11.
Variant type: single nucleotide variant.
Coding change: c.5094C>G on transcript NM_015354.3 (MANE Select); coding-DNA position 5094, C replaced by G.
Protein change: p.Leu1698=; no amino-acid change (leucine 1698 retained).
Molecular consequence: synonymous variant.
Genome position (GRCh38, 1-based): chr9:129,006,522, C>G. VCF-style: chr9-129006522-C-G. GRCh37 (hg19) VCF-style: chr9-131768801-C-G.
Identifiers: ClinVar variation 3052988 (VCV003052988.2), dbSNP rs112561559, ClinGen allele CA5273583.
Genomic context (GRCh38, chr9:129,006,522, plus strand): 5'-AGATGTGCTGAGCCTCACCAAGCCACTTTTTTTCTTGTAGAGCACGCTGCTGTCCAGCCT[C>G]TCGCGCTACTTCCGCCGGGGAGCCCCCAGCTCCCCTGCCACTGGTGTCCTCCCCTCGCCG-3'
Protein context (NP_056169.1, residues 1688-1708): SSELSTLLSS[Leu1698=]SRYFRRGAPS

ClinVar aggregate classification (germline): Likely benign (0 of 4 stars; one submission).

Conditions:
NUP188-related disorder. Also called: NUP188-related condition.

Allele frequency attached by ClinVar (database versions not stated): gnomAD exomes 0.00012; 1000 Genomes Project 30x 0.00016; 1000 Genomes Project 0.00020; ExAC 0.00036; gnomAD 0.00111; TOPMed 0.00118; ESP Exome Variant Server 0.00169.
gnomAD v4.1: 364 of 1,613,788 alleles (0.023%); highest among the groups gnomAD compares: African/African-American, 0.37%; no homozygotes.

Submission:

PreventionGenetics, part of Exact Sciences
Classification: Likely benign for NUP188-related condition. Last evaluated: 2019-03-25. Review status: no assertion criteria provided. Collection method: clinical testing. Allele origin: germline.
Comment: This variant is classified as likely benign based on ACMG/AMP sequence variant interpretation guidelines (Richards et al. 2015 PMID: 25741868, with internal and published modifications).